The following is an entry in ClinVar:

NM_000079.4(CHRNA1):c.175C>T (p.Gln59Ter)

Gene: CHRNA1 (cholinergic receptor nicotinic alpha 1 subunit; minus strand). Cytogenetic location: 2q31.1.
Variant type: single nucleotide variant.
Coding change: c.175C>T on transcript NM_000079.4 (MANE Select); coding-DNA position 175, C replaced by T.
Protein change: p.Gln59Ter; replaces glutamine 59 with a stop codon.
Molecular consequence: nonsense.
Genome position (GRCh38, 1-based): chr2:174,759,502, G>A on the plus strand (C>T on the coding strand, the complement: CHRNA1 is on the minus strand). VCF-style: chr2-174759502-G-A. GRCh37 (hg19) VCF-style: chr2-175624230-G-A.
Other names: c.175C>T, p.Gln59Ter (NM_001039523.3); short protein forms Q59*.
Identifiers: ClinVar variation 429993 (VCV000429993.7), dbSNP rs750329103, ClinGen allele CA1974690.

ClinVar aggregate classification (germline): Pathogenic. Review status: criteria provided, multiple submitters, no conflicts (2 of 4 stars). 2 submissions from 2 submitters: Pathogenic (2). Last evaluated 2025-04-14.

Conditions:
Lethal multiple pterygium syndrome (LMPS). Identifiers: Orphanet 33108, MedGen C1854678, MONDO:0009668, OMIM 253290.

Allele frequency attached by ClinVar (database versions not stated): gnomAD exomes below 0.00001; ExAC 0.00001; gnomAD 0.00001; TOPMed 0.00002.
gnomAD v4.1: 4 of 1,614,028 alleles (0.00025%); highest among the groups gnomAD compares: African/African-American, 0.004%; no homozygotes.

Submissions (2):

Labcorp Genetics (formerly Invitae), Labcorp
Classification: Pathogenic for Lethal multiple pterygium syndrome. Last evaluated: 2025-04-14. Review status: criteria provided, single submitter. Criteria: Invitae Variant Classification Sherloc (09022015). Collection method: clinical testing. Allele origin: germline.
Comment: This sequence change creates a premature translational stop signal (p.Gln59*) in the CHRNA1 gene. It is expected to result in an absent or disrupted protein product. Loss-of-function variants in CHRNA1 are known to be pathogenic (PMID: 14719537, 15907919, 18252226). This variant is present in population databases (rs750329103, gnomAD 0.007%). This variant has not been reported in the literature in individuals affected with CHRNA1-related conditions. ClinVar contains an entry for this variant (Variation ID: 429993). For these reasons, this variant has been classified as Pathogenic.

GeneDx
Classification: Pathogenic. Last evaluated: 2017-04-24. Review status: criteria provided, single submitter. Criteria: GeneDx Variant Classification (06012015). Collection method: clinical testing. Allele origin: germline. Affected: yes.
Comment: The Q59X variant in the CHRNA1 gene has not been reported previously as a pathogenic variant nor as a benign variant, to our knowledge. This variant is predicted to cause loss of normal protein function either through protein truncation or nonsense-mediated mRNA decay. The Q59X variant is not observed at a significant frequency in large population cohorts (Lek et al., 2016; 1000 Genomes Consortium et al., 2015; Exome Variant Server). We interpret Q59X as a pathogenic variant.

Literature cited by the submitters: PubMed 14719537 (cited by Labcorp Genetics (formerly Invitae), Labcorp); PubMed 15907919 (cited by Labcorp Genetics (formerly Invitae), Labcorp); PubMed 18252226 (cited by Labcorp Genetics (formerly Invitae), Labcorp).